The following is an entry in ClinVar:

NM_152383.5(DIS3L2):c.209A>G (p.Gln70Arg)

Gene: DIS3L2 (DIS3 like 3'-5' exoribonuclease 2; plus strand). Cytogenetic location: 2q37.1.
Variant type: single nucleotide variant.
Coding change: c.209A>G on transcript NM_152383.5 (MANE Select); coding-DNA position 209, A replaced by G.
Protein change: p.Gln70Arg; replaces glutamine 70 with arginine.
Molecular consequence: missense variant. On other transcripts: non-coding transcript variant (2).
Genome position (GRCh38, 1-based): chr2:232,015,670, A>G. VCF-style: chr2-232015670-A-G. GRCh37 (hg19) VCF-style: chr2-232880380-A-G.
Other names: c.209A>G, p.Gln70Arg (NM_001257281.2, NM_001257282.2); short protein forms Q70R.
Identifiers: ClinVar variation 855494 (VCV000855494.10), dbSNP rs376019404, ClinGen allele CA67499261.

ClinVar aggregate classification (germline): Conflicting classifications of pathogenicity. Review status: criteria provided, conflicting classifications (1 of 4 stars). 2 submissions from 2 submitters: Pathogenic (1); Uncertain significance (1). Last evaluated 2025-04-13.

Conditions:
Perlman syndrome (PRLMNS). Identifiers: Orphanet 2849, MedGen C0796113, MONDO:0009965, OMIM 267000.

Allele frequency attached by ClinVar (database versions not stated): gnomAD exomes below 0.00001 and 0.00002; TOPMed below 0.00001; ESP Exome Variant Server 0.00008.
gnomAD v4.1: 9 of 1,613,480 alleles (0.00056%); highest among the groups gnomAD compares: Non-Finnish European, 0.00076%; no homozygotes.

Submissions (2):

Labcorp Genetics (formerly Invitae), Labcorp
Classification: Pathogenic for Perlman syndrome. Last evaluated: 2025-04-13. Review status: criteria provided, single submitter. Criteria: Invitae Variant Classification Sherloc (09022015). Collection method: clinical testing. Allele origin: germline.
Comment: This sequence change replaces glutamine, which is neutral and polar, with arginine, which is basic and polar, at codon 70 of the DIS3L2 protein (p.Gln70Arg). RNA analysis indicates that this missense change induces altered splicing and may result in an absent or altered protein product. This variant is present in population databases (rs376019404, gnomAD 0.002%). This variant has not been reported in the literature in individuals affected with DIS3L2-related conditions. ClinVar contains an entry for this variant (Variation ID: 855494). An algorithm developed to predict the effect of missense changes on protein structure and function (PolyPhen-2) suggests that this variant is likely to be tolerated. Studies have shown that this missense change results in skipping of exon 3, and produces a non-functional protein and/or introduces a premature termination codon (internal data). For these reasons, this variant has been classified as Pathogenic.

Blueprint Genetics
Classification: Uncertain significance. Last evaluated: 2024-11-11. Review status: criteria provided, single submitter. Criteria: ACMG Guidelines, 2015. Collection method: clinical testing. Allele origin: germline.